The following is an entry in ClinVar:

ClinVar aggregate classification (germline): Benign. Review status: reviewed by expert panel (3 of 4 stars). 10 submissions from 10 submitters: Benign (1). 9 of the submissions do not count toward it. Last evaluated 2024-03-26.

Conditions:
Inborn genetic diseases. Identifiers: MedGen C0950123, MeSH D030342.
Very long chain acyl-CoA dehydrogenase deficiency (ACADVLD). Also called: VLCAD Deficiency; Very Long-Chain Acyl-Coenzyme A Dehydrogenase Deficiency. Identifiers: Orphanet 26793, MedGen C3887523, MONDO:0008723, OMIM 201475.

Allele frequency attached by ClinVar (database versions not stated): ESP Exome Variant Server 0.00569; TOPMed 0.00607; 1000 Genomes Project 30x 0.00968; 1000 Genomes Project 0.00998.
gnomAD v4.1: 2,053 of 1,614,146 alleles (0.13%); highest among the groups gnomAD compares: African/African-American, 2%; 27 homozygotes.

Submissions (10):

ClinGen ACADVL Variant Curation Expert Panel, ClinGen
Classification: Benign for Very long chain acyl-CoA dehydrogenase deficiency. Last evaluated: 2024-03-26. Review status: reviewed by expert panel. Criteria: clingen acadvl acmg specifications v1. Collection method: curation. Allele origin: germline. Inheritance: Autosomal recessive inheritance.
Comment: The NM_000018.4(ACADVL):c.693T>A (p.Ser231=) variant is a synonymous (silent) variant that is not predicted by SpliceAI and NNSplice to impact splicing. In addition, it occurs at a nucleotide that is not conserved as shown by PhyloP and PhastCons (BP4, BP7). The highest population minor allele frequency in gnomAD v2.1.1 is 0.2061 in the African/African American population, which is higher than the ClinGen ACADVL Variant Curation Expert Panel threshold (≥0.007) for BA1, and therefore meets this criterion (BA1). In summary, this variant meets the criteria to be classified as benign for autosomal recessive very long chain acyl-CoA dehydrogenase (VLCAD) deficiency based on the ACMG/AMP criteria applied, as specified by the ClinGen ACADVL Variant Curation Expert Panel: BA1, BP4 (ACADVL VCEP specifications version 1; approved November 9, 2021).

Labcorp Genetics (formerly Invitae), Labcorp
Classification: Benign for Very long chain acyl-CoA dehydrogenase deficiency. Last evaluated: 2026-02-04. Review status: criteria provided, single submitter. Criteria: Invitae Variant Classification Sherloc (09022015). Collection method: clinical testing. Allele origin: germline. Not counted in ClinVar's aggregate classification.

ARUP Laboratories, Molecular Genetics and Genomics, ARUP Laboratories
Classification: Benign for Very long chain acyl-CoA dehydrogenase deficiency. Last evaluated: 2025-01-20. Review status: criteria provided, single submitter. Criteria: ARUP Molecular Germline Variant Investigation Process 2024. Collection method: clinical testing. Allele origin: germline. Not counted in ClinVar's aggregate classification.

Ambry Genetics
Classification: Likely benign for Inborn genetic diseases. Last evaluated: 2022-06-22. Review status: criteria provided, single submitter. Criteria: Ambry Variant Classification Scheme 2023. Collection method: clinical testing. Allele origin: germline. Not counted in ClinVar's aggregate classification.

Mayo Clinic Laboratories, Mayo Clinic
Classification: Benign. Last evaluated: 2018-05-15. Review status: criteria provided, single submitter. Criteria: ACMG Guidelines, 2015. Collection method: clinical testing. Allele origin: germline. Observed: 12 variant alleles. Not counted in ClinVar's aggregate classification.

Illumina Laboratory Services, Illumina
Classification: Likely benign for Very long chain acyl-CoA dehydrogenase deficiency. Last evaluated: 2018-01-12. Review status: criteria provided, single submitter. Criteria: ICSL Variant Classification Criteria 13 December 2019. Collection method: clinical testing. Allele origin: germline. Not counted in ClinVar's aggregate classification.
Comment: This variant was observed in the ICSL laboratory as part of a predisposition screen in an ostensibly healthy population. It had not been previously curated by ICSL or reported in the Human Gene Mutation Database (HGMD: prior to June 1st, 2018), and was therefore a candidate for classification through an automated scoring system. Utilizing variant allele frequency, disease prevalence and penetrance estimates, and inheritance mode, an automated score was calculated to assess if this variant is too frequent to cause the disease. Based on the score and internal cut-off values, a variant classified as likely benign is not then subjected to further curation. The score for this variant resulted in a classification of likely benign for this disease.

GeneDx
Classification: Benign. Last evaluated: 2014-05-19. Review status: criteria provided, single submitter. Criteria: GeneDx Variant Classification (06012015). Collection method: clinical testing. Allele origin: germline. Affected: yes. Not counted in ClinVar's aggregate classification.
Comment: This variant is considered likely benign or benign based on one or more of the following criteria: it is a conservative change, it occurs at a poorly conserved position in the protein, it is predicted to be benign by multiple in silico algorithms, and/or has population frequency not consistent with disease.

Breakthrough Genomics
Classification: Likely benign. Review status: criteria provided, single submitter. Criteria: ACMG Guidelines, 2015. Collection method: not provided. Allele origin: germline. Inheritance: Autosomal recessive inheritance. Affected: yes. Not counted in ClinVar's aggregate classification.

PreventionGenetics, part of Exact Sciences
Classification: Benign. Review status: criteria provided, single submitter. Criteria: ACMG Guidelines, 2015. Collection method: clinical testing. Allele origin: germline. Not counted in ClinVar's aggregate classification.

Natera, Inc.
Classification: Benign for Very long chain acyl-CoA dehydrogenase deficiency. Last evaluated: 2020-09-16. Review status: no assertion criteria provided. Collection method: clinical testing. Allele origin: germline. Not counted in ClinVar's aggregate classification.

NM_000018.4(ACADVL):c.693T>A (p.Ser231=)

Gene: ACADVL (acyl-CoA dehydrogenase very long chain; plus strand). Cytogenetic location: 17p13.1.
Variant type: single nucleotide variant.
Coding change: c.693T>A on transcript NM_000018.4 (MANE Select); coding-DNA position 693, T replaced by A.
Protein change: p.Ser231=; no amino-acid change (serine 231 retained).
Molecular consequence: synonymous variant.
Genome position (GRCh38, 1-based): chr17:7,222,022, T>A. VCF-style: chr17-7222022-T-A. GRCh37 (hg19) VCF-style: chr17-7125341-T-A.
Other names: p.S231S:TCT>TCA; NM_000018.4(ACADVL):c.693T>A; p.Ser231=; c.627T>A, p.Ser209= (NM_001033859.3); c.762T>A, p.Ser254= (NM_001270447.2); c.465T>A, p.Ser155= (NM_001270448.2).
Identifiers: ClinVar variation 136261 (VCV000136261.30), dbSNP rs77763289, ClinGen allele CA289257.